The following is an entry in ClinVar:

ClinVar aggregate classification (germline): Pathogenic. Review status: criteria provided, multiple submitters, no conflicts (2 of 4 stars). 2 submissions from 2 submitters: Pathogenic (2). Last evaluated 2024-09-16.

Conditions:
Hereditary pheochromocytoma and paraganglioma. Also called: Hereditary Paraganglioma-Pheochromocytoma Syndromes; Hereditary pheochromocytoma-paraganglioma; Hereditary paragangliomas and pheochromocytomas. Identifiers: Orphanet 29072, MedGen C4274332, MONDO:0017366.

Submissions (2):

All of Us Research Program, National Institutes of Health
Classification: Pathogenic for Hereditary pheochromocytoma and paraganglioma. Last evaluated: 2024-09-16. Review status: criteria provided, single submitter. Criteria: ACMG Guidelines, 2015. Collection method: clinical testing. Allele origin: germline. Inheritance: Autosomal dominant inheritance. Observed: 1 variant allele, 1 heterozygote.
Comment: This variant deletes 34 nucleotides in exon 3 of the SDHB gene, creating a frameshift and premature translation stop signal. This variant is expected to result in an absent or non-functional protein product. To our knowledge, this variant has not been reported in individuals affected with SDHB-related disorders in the literature. This variant has not been identified in the general population by the Genome Aggregation Database (gnomAD). Loss of SDHB function is a known mechanism of disease. Based on the available evidence, this variant is classified as Pathogenic.

This study involves interpretation of variants in research participants for the purpose of population health screening. Participant phenotype was not available at the time of variant classification. Additional details can be found in publication PMID: 35346344, PMCID: PMC8962531

Color Diagnostics, LLC DBA Color Health
Classification: Pathogenic for Hereditary pheochromocytoma and paraganglioma. Last evaluated: 2024-07-24. Review status: criteria provided, single submitter. Criteria: ACMG Guidelines, 2015. Collection method: clinical testing. Allele origin: germline.
Comment: This variant deletes 34 nucleotides in exon 3 of the SDHB gene, creating a frameshift and premature translation stop signal. This variant is expected to result in an absent or non-functional protein product. To our knowledge, this variant has not been reported in individuals affected with SDHB-related disorders in the literature. This variant has not been identified in the general population by the Genome Aggregation Database (gnomAD). Loss of SDHB function is a known mechanism of disease. Based on the available evidence, this variant is classified as Pathogenic.

NM_003000.3(SDHB):c.245_278del (p.Glu82fs)

Gene: SDHB (succinate dehydrogenase complex iron sulfur subunit B; minus strand). Cytogenetic location: 1p36.13.
Variant type: Deletion.
Coding change: c.245_278del on transcript NM_003000.3 (MANE Select); coding-DNA positions 245 to 278, 34 bases deleted.
Protein change: p.Glu82fs; shifts the reading frame from glutamic acid 82.
Molecular consequence: frameshift variant.
Genome position (GRCh38, 1-based): chr1:17,033,068-17,033,101, 34 bases deleted; deleting any 34 consecutive bases within chr1:17,033,068-17,033,104 gives the same sequence; the c. name uses the placement nearest the transcript's 3' end. GRCh37 (hg19): chr1:17,359,566-17,359,599.
Other names: c.245_278del, p.Glu82fs (NM_001407361.1); short protein forms E82fs.
Identifiers: ClinVar variation 3385988 (VCV003385988.2).